The following is an entry in ClinVar:

ClinVar aggregate classification (germline): Conflicting classifications of pathogenicity. Review status: criteria provided, conflicting classifications (1 of 4 stars). 3 submissions from 3 submitters: Uncertain significance (1); Likely benign (2). Last evaluated 2024-02-15.

Conditions:
Early-infantile DEE. Also called: Early infantile epileptic encephalopathy; Ohtahara syndrome; Early infantile epileptic encephalopathy with suppression bursts. Identifiers: Orphanet 1934, MedGen C0393706, MONDO:0800491.

Allele frequency attached by ClinVar (database versions not stated): TOPMed below 0.00001; ExAC 0.00001; gnomAD exomes 0.00001.
gnomAD v4.1: 15 of 1,609,590 alleles (0.00093%); highest among the groups gnomAD compares: Non-Finnish European, 0.0011%; no homozygotes.

Submissions (3):

Labcorp Genetics (formerly Invitae), Labcorp
Classification: Likely benign for Early-infantile DEE. Last evaluated: 2024-02-15. Review status: criteria provided, single submitter. Criteria: Invitae Variant Classification Sherloc (09022015). Collection method: clinical testing. Allele origin: germline.

CeGaT Center for Human Genetics Tuebingen
Classification: Likely benign. Last evaluated: 2023-12-01. Review status: criteria provided, single submitter. Criteria: CeGaT Center For Human Genetics Tuebingen Variant Classification Criteria Version 2. Collection method: clinical testing. Allele origin: germline. Affected: yes. Observed: 1 variant allele.
Comment: SCN1A: BP4, BP7

GeneDx
Classification: Uncertain significance. Last evaluated: 2022-04-01. Review status: criteria provided, single submitter. Criteria: GeneDx Variant Classification Process June 2021. Collection method: clinical testing. Allele origin: germline. Affected: yes.
Comment: Not observed at significant frequency in large population cohorts (gnomAD); Has not been previously published as pathogenic or benign to our knowledge; In-silico analysis is inconclusive as to whether the variant alters gene splicing. In the absence of RNA/functional studies, the actual effect of this sequence change is unknown.

NM_001165963.4(SCN1A):c.4524T>C (p.Tyr1508=)

Genes: SCN1A (sodium voltage-gated channel alpha subunit 1; minus strand), LOC102724058 (uncharacterized LOC102724058; plus strand). Cytogenetic location: 2q24.3.
Variant type: single nucleotide variant.
Coding change: c.4524T>C on transcript NM_001165963.4 (MANE Select); coding-DNA position 4524, T replaced by C.
Protein change: p.Tyr1508=; no amino-acid change (tyrosine 1508 retained).
Molecular consequence: synonymous variant. On other transcripts: non-coding transcript variant (1).
Genome position (GRCh38, 1-based): chr2:165,996,070, A>G on the plus strand (T>C on the coding strand, the complement: SCN1A is on the minus strand). VCF-style: chr2-165996070-A-G. GRCh37 (hg19) VCF-style: chr2-166852580-A-G.
Other names: c.4440T>C, p.Tyr1480= (NM_001165964.3, NM_001353957.2, NM_001353958.2); c.4524T>C, p.Tyr1508= (NM_001202435.3, NM_001353948.2); c.4491T>C, p.Tyr1497= (NM_001353949.2, NM_001353950.2, NM_001353951.2 and 2 more transcripts); c.4488T>C, p.Tyr1496= (NM_001353954.2, NM_001353955.2); c.4437T>C, p.Tyr1479= (NM_001353960.2); c.2082T>C, p.Tyr694= (NM_001353961.2).
Identifiers: ClinVar variation 1080856 (VCV001080856.33), dbSNP rs778620898, ClinGen allele CA1942780.